The following is an entry in ClinVar:

NM_001242896.3(DEPDC5):c.4130A>G (p.Asn1377Ser)

Gene: DEPDC5 (DEP domain containing 5, GATOR1 subcomplex subunit; plus strand). Cytogenetic location: 22q12.3.
Variant type: single nucleotide variant.
Coding change: c.4130A>G on transcript NM_001242896.3 (MANE Select); coding-DNA position 4130, A replaced by G.
Protein change: p.Asn1377Ser; replaces asparagine 1377 with serine.
Molecular consequence: missense variant. On other transcripts: non-coding transcript variant (5).
Genome position (GRCh38, 1-based): chr22:31,893,678, A>G. VCF-style: chr22-31893678-A-G. GRCh37 (hg19) VCF-style: chr22-32289664-A-G.
Other names: c.4103A>G, p.Asn1368Ser (NM_001136029.4); c.3830A>G, p.Asn1277Ser (NM_001242897.2); c.4064A>G, p.Asn1355Ser (NM_001363852.2, NM_001364320.2); c.3896A>G, p.Asn1299Ser (NM_001363854.2, NM_001364319.2); c.4130A>G, p.Asn1377Ser (NM_001364318.2); c.4046A>G, p.Asn1349Ser (NM_001369901.1, NM_001369902.1); c.4037A>G, p.Asn1346Ser (NM_001369903.1, NM_014662.6); short protein forms N1277S, N1299S, N1346S, N1349S, N1355S, N1368S, N1377S.
Identifiers: ClinVar variation 2428882 (VCV002428882.3), dbSNP rs2523211585, ClinGen allele CA411287104.

ClinVar aggregate classification (germline): Uncertain significance (1 of 4 stars; one submission).

Submission:

GeneDx
Classification: Uncertain significance. Last evaluated: 2022-07-27. Review status: criteria provided, single submitter. Criteria: GeneDx Variant Classification Process June 2021. Collection method: clinical testing. Allele origin: germline. Affected: yes.
Comment: Not observed at significant frequency in large population cohorts (gnomAD); In silico analysis supports that this missense variant does not alter protein structure/function; Has not been previously published as pathogenic or benign to our knowledge